The following is an entry in ClinVar:

NM_001144950.2(SSC5D):c.3549G>A (p.Thr1183=)

Gene: SSC5D (scavenger receptor cysteine rich family member with 5 domains; plus strand). Cytogenetic location: 19q13.42.
Variant type: single nucleotide variant.
Coding change: c.3549G>A on transcript NM_001144950.2 (MANE Select); coding-DNA position 3549, G replaced by A.
Protein change: p.Thr1183=; no amino-acid change (threonine 1183 retained).
Molecular consequence: synonymous variant.
Genome position (GRCh38, 1-based): chr19:55,517,825, G>A. VCF-style: chr19-55517825-G-A. GRCh37 (hg19) VCF-style: chr19-56029192-G-A.
Identifiers: ClinVar variation 4083540 (VCV004083540.8).
Genomic context (GRCh38, chr19:55,517,825, plus strand): 5'-CATCACAACCCTTAACCCTACTGTGACCCCTCACTTCCCTACCACCCCTCACCCCACCAC[G>A]ACCCCTCACCCCACCACCATCACTCACTCCACCATGATTCCTGACCCCACCACAACCCCT-3'
Protein context (NP_001138422.1, residues 1173-1193): PHFPTTPHPT[Thr1183=]TPHPTTITHS

ClinVar aggregate classification (germline): Likely benign (1 of 4 stars; one submission).

Submission:

CeGaT Center for Human Genetics Tuebingen
Classification: Likely benign. Last evaluated: 2025-08-01. Review status: criteria provided, single submitter. Criteria: CeGaT Center For Human Genetics Tuebingen Variant Classification Criteria Version 2. Collection method: clinical testing. Allele origin: germline. Affected: yes. Observed: 1 variant allele.
Comment: SSC5D: BP4, BP7